The following is an entry in ClinVar:

NM_032290.4(SLF1):c.1686G>C (p.Gln562His)

Gene: SLF1 (SMC5/6 complex localization factor 1; plus strand). Cytogenetic location: 5q15.
Variant type: single nucleotide variant.
Coding change: c.1686G>C on transcript NM_032290.4 (MANE Select); coding-DNA position 1686, G replaced by C.
Protein change: p.Gln562His; replaces glutamine 562 with histidine.
Molecular consequence: missense variant.
Genome position (GRCh38, 1-based): chr5:94,670,867, G>C. VCF-style: chr5-94670867-G-C. GRCh37 (hg19) VCF-style: chr5-94006572-G-C.
Other names: short protein forms Q562H.
Identifiers: ClinVar variation 3771442 (VCV003771442.13).

ClinVar aggregate classification (germline): Uncertain significance (1 of 4 stars; one submission).

gnomAD v4.1: 9 of 1,549,628 alleles (0.00058%); highest among the groups gnomAD compares: Non-Finnish European, 0.00061%; no homozygotes.

Submission:

CeGaT Center for Human Genetics Tuebingen
Classification: Uncertain significance. Last evaluated: 2025-02-01. Review status: criteria provided, single submitter. Criteria: CeGaT Center For Human Genetics Tuebingen Variant Classification Criteria Version 2. Collection method: clinical testing. Allele origin: germline. Affected: yes. Observed: 1 variant allele.
Comment: SLF1: PM2, BP4